The following is an entry in ClinVar:

ClinVar aggregate classification (germline): Uncertain significance. Review status: criteria provided, single submitter (1 of 4 stars). 2 submissions from 2 submitters: Uncertain significance (1). 1 of the submissions does not count toward it. Last evaluated 2025-02-28.

Conditions:
Pulmonary fibrosis and/or bone marrow failure, Telomere-related, 3. Also called: PULMONARY FIBROSIS AND/OR BONE MARROW FAILURE SYNDROME, TELOMERE-RELATED, 3. Identifiers: Orphanet 2032, MedGen C4225346, MONDO:0014613, OMIM 616373.
Dyskeratosis congenita, autosomal recessive 5 (DKCB5). Identifiers: MedGen C3554656, MONDO:0014076, OMIM 615190.
Dyskeratosis congenita. Identifiers: Orphanet 1775, MedGen C0265965, MONDO:0015780.

Allele frequency attached by ClinVar (database versions not stated): TOPMed 0.00001; gnomAD exomes 0.00003; ExAC 0.00005; ESP Exome Variant Server 0.00008.

Submissions (2):

Labcorp Genetics (formerly Invitae), Labcorp
Classification: Uncertain significance for Dyskeratosis congenita, autosomal recessive 5; Pulmonary fibrosis and/or bone marrow failure, Telomere-related, 3. Last evaluated: 2025-02-28. Review status: criteria provided, single submitter. Criteria: Invitae Variant Classification Sherloc (09022015). Collection method: clinical testing. Allele origin: germline.
Comment: This sequence change affects codon 849 of the RTEL1 mRNA. It is a 'silent' change, meaning that it does not change the encoded amino acid sequence of the RTEL1 protein. This variant is present in population databases (rs371353556, gnomAD 0.009%). This variant has not been reported in the literature in individuals affected with RTEL1-related conditions. ClinVar contains an entry for this variant (Variation ID: 540931). Algorithms developed to predict the effect of sequence changes on RNA splicing suggest that this variant may create or strengthen a splice site. In summary, the available evidence is currently insufficient to determine the role of this variant in disease. Therefore, it has been classified as a Variant of Uncertain Significance.

Natera, Inc.
Classification: Uncertain significance for Dyskeratosis congenita. Last evaluated: 2019-11-11. Review status: no assertion criteria provided. Collection method: clinical testing. Allele origin: germline. Not counted in ClinVar's aggregate classification.

NM_001283009.2(RTEL1):c.2547C>T (p.Gly849=)

Genes: RTEL1-TNFRSF6B (RTEL1-TNFRSF6B readthrough (NMD candidate); plus strand), RTEL1 (regulator of telomere elongation helicase 1; plus strand). Cytogenetic location: 20q13.33.
Variant type: single nucleotide variant.
Coding change: c.2547C>T on transcript NM_001283009.2 (MANE Select); coding-DNA position 2547, C replaced by T.
Protein change: p.Gly849=; no amino-acid change (glycine 849 retained).
Molecular consequence: synonymous variant. On other transcripts: non-coding transcript variant (1).
Genome position (GRCh38, 1-based): chr20:63,690,938, C>T. VCF-style: chr20-63690938-C-T. GRCh37 (hg19) VCF-style: chr20-62322291-C-T.
Other names: c.1878C>T, p.Gly626= (NM_001283010.1); c.2547C>T, p.Gly849= (NM_016434.4); c.2619C>T, p.Gly873= (NM_032957.5).
Identifiers: ClinVar variation 540931 (VCV000540931.6), dbSNP rs371353556, ClinGen allele CA9965388.